The following continues an entry in ClinVar:

NM_013339.4(ALG6):c.257+5G>A

Gene: ALG6. ClinVar aggregate classification (germline): Pathogenic/Likely pathogenic. Pathogenic (17); Likely pathogenic (3).

Submissions 12 to 29 of 29:

Victorian Clinical Genetics Services, Murdoch Childrens Research Institute
Classification: Pathogenic for ALG6-congenital disorder of glycosylation 1C. Last evaluated: 2021-05-06. Review status: criteria provided, single submitter. Criteria: ACMG Guidelines, 2015. Collection method: clinical testing. Allele origin: germline. Inheritance: Autosomal recessive inheritance. Affected: yes.
Comment: Based on the classification scheme VCGS_Germline_v1.3.4, this variant is classified as Pathogenic. Following criteria are met: 0102 - Loss of function is a known mechanism of disease in this gene and is associated with congenital disorder of glycosylation, type Ic (MIM#603147). (I) 0106 - This gene is associated with autosomal recessive disease. (I) 0210 - Splice site variant proven to affect splicing of the transcript with a known effect on protein sequence. This variant has been proven to cause in-frame skipping of exon 3 (PMID: 10924277). (SP) 0251 - This variant is heterozygous. (I) 0304 - Variant is present in gnomAD <0.01 for a recessive condition (v2) (103 heterozygotes, 0 homozygotes). (SP) 0505 - Abnormal splicing is predicted by in silico tools and affected nucleotide is highly conserved. (SP) 0801 - This variant has strong previous evidence of pathogenicity in unrelated individuals. This variant has been previously reported as pathogenic in multiple patients with congenital disorder of glycosylation, type Ic (ClinVar, PMID: 10924277). (I) Legend: (SP) - Supporting pathogenic, (I) - Information, (SB) - Supporting benign

Revvity Omics, Revvity
Classification: Likely pathogenic for ALG6-congenital disorder of glycosylation 1C. Last evaluated: 2021-02-17. Review status: criteria provided, single submitter. Criteria: ACMG Guidelines, 2015. Collection method: clinical testing. Allele origin: germline.

Ambry Genetics
Classification: Pathogenic for Inborn genetic diseases. Last evaluated: 2020-10-30. Review status: criteria provided, single submitter. Criteria: Ambry Variant Classification Scheme 2023. Collection method: clinical testing. Allele origin: germline.
Comment: The c.257+5G>A intronic alteration results from a G to A substitution 5 nucleotides after exon 4 (coding exon 3) of the ALG6 gene. Based on data from the Genome Aggregation Database (gnomAD) database, the ALG6 c.257+5G>A alteration was observed in 0.05% (133/282026) of total alleles studied, with a frequency of 0.09% (121/128932) in the European (non-Finnish) subpopulation. This alteration has been detected in trans with another mutant allele in multiple patients with clinical and biochemical features of congenital disorder of glycosylation 1c (Westphal, 2000; Drijvers, 2010). This nucleotide position is highly conserved in available vertebrate species. Functional studies demonstrate that this alteration causes skipping of coding exon 3 leading to a nonfunctional protein (Imbach, 2000; Westphal, 2000). In silico splice site analysis predicts that this alteration will weaken the native splice donor site. Based on the available evidence, this alteration is classified as pathogenic.

Genome Diagnostics Laboratory, University Medical Center Utrecht
Classification: Pathogenic for ALG6-congenital disorder of glycosylation 1C. Last evaluated: 2017-07-28. Review status: criteria provided, single submitter. Criteria: ACGS Guidelines, 2013. Collection method: clinical testing. Allele origin: germline. Affected: yes. Study: VKGL Data-share Consensus.

Center for Pediatric Genomic Medicine, Children's Mercy Hospital and Clinics
Classification: Pathogenic. Last evaluated: 2016-09-16. Review status: criteria provided, single submitter. Criteria: ACMG Guidelines, 2015. Collection method: clinical testing. Allele origin: germline.

Knight Diagnostic Laboratories, Oregon Health and Sciences University
Classification: Pathogenic for ALG6-congenital disorder of glycosylation 1C. Last evaluated: 2016-03-30. Review status: criteria provided, single submitter. Criteria: ACMG Guidelines, 2015. Collection method: clinical testing. Allele origin: germline. Affected: no. Study: CSER-NextGen.
Comment: The c.257+5G>A splicing variant in the ALG6 gene has been previously reported in individuals affected with autosomal recessive congenital disorder of glycosylation Ic, and in trans with a known pathogenic variant (Imbach et al. 2000 and Westphal et al. 2000). This variant is shown to cause the skipping of exon 3, and produces a nonfunctional enzyme as shown by its inability to restore normal glycosylation in a yeast strain lacking a functional ALG6 (Westphal et al. 2000). This c.257+5G>A has been reported in very low frequency in the three control population databases (Exome Sequencing Project [ESP], 1000 Genomes, and ExAc) and has been reported pathogenic in the Emory Genetic Patient Database. Therefore, this collective evidence supports the classification of the c.257+5G>A as a recessive pathogenic variant for congenital disorder of glycosylation type Ic.

Clinical Genetics DNA and cytogenetics Diagnostics Lab, Erasmus MC, Erasmus Medical Center
Classification: Pathogenic for ALG6-congenital disorder of glycosylation 1C. Last evaluated: 2015-09-21. Review status: criteria provided, single submitter. Criteria: ACGS Guidelines, 2013. Collection method: clinical testing. Allele origin: germline. Affected: yes. Study: VKGL Data-share Consensus.

Genetic Services Laboratory, University of Chicago
Classification: Pathogenic for Congenital disorder of glycosylation, type Ic. Last evaluated: 2015-07-22. Review status: criteria provided, single submitter. Criteria: ACMG Guidelines, 2015. Collection method: clinical testing. Allele origin: germline. Affected: yes.

Eurofins Ntd Llc (ga)
Classification: Pathogenic. Last evaluated: 2013-06-28. Review status: criteria provided, single submitter. Criteria: EGL Classification Definitions 2015. Collection method: clinical testing. Allele origin: germline. Observed: 6 variant alleles, 6 heterozygotes.

PreventionGenetics, part of Exact Sciences
Classification: Pathogenic for ALG6-related condition. Last evaluated: 2024-08-30. Review status: no assertion criteria provided. Collection method: clinical testing. Allele origin: germline. Not counted in ClinVar's aggregate classification.
Comment: The ALG6 c.257+5G>A variant is predicted to interfere with splicing. This variant has been reported as pathogenic for autosomal recessive congenital disorder of glycosylation type Ic (CDG-Ic) due to alpha-1,3 glucosyltransferase deficiency (Imbach et al. 2000. PubMed ID: 10914684; Westphal et al. 2000. PubMed ID: 10924277; Drijvers et al. 2010. PubMed ID: 20447155; Dercksen et al. 2013. PubMed ID: 23430515). This variant is reported in 0.094% of alleles in individuals of European (Non-Finnish) descent in gnomAD. Functional studies have demonstrated this variant leads to exon skipping (Westphal et al. 2000. PubMed ID: 10924277). This variant is interpreted as pathogenic.

Diagnostic Laboratory, Department of Genetics, University Medical Center Groningen
Classification: Pathogenic for ALG6-congenital disorder of glycosylation 1C. Review status: no assertion criteria provided. Collection method: clinical testing. Allele origin: germline. Affected: yes. Study: VKGL Data-share Consensus. Not counted in ClinVar's aggregate classification.

Dr. Peter K. Rogan Lab, Western University
No classification provided (evidence only). Condition: Clear cell carcinoma of kidney. Review status: no classification provided. Collection method: in vitro. Allele origin: not applicable. Functional consequence: skipped exon. Not counted in ClinVar's aggregate classification.

Dr. Peter K. Rogan Lab, Western University
No classification provided (evidence only). Condition: Familial cancer of breast. Review status: no classification provided. Collection method: in vitro. Allele origin: not applicable. Functional consequence: skipped exon, retained intron. Not counted in ClinVar's aggregate classification.

Dr. Peter K. Rogan Lab, Western University
No classification provided (evidence only). Condition: Acute myeloid leukemia. Review status: no classification provided. Collection method: in vitro. Allele origin: not applicable. Functional consequence: skipped exon, retained intron. Not counted in ClinVar's aggregate classification.

Dr. Peter K. Rogan Lab, Western University
No classification provided (evidence only). Condition: Colorectal cancer. Review status: no classification provided. Collection method: in vitro. Allele origin: not applicable. Functional consequence: skipped exon. Not counted in ClinVar's aggregate classification.

Genome Diagnostics Laboratory, Amsterdam University Medical Center
Classification: Pathogenic. Review status: no assertion criteria provided. Collection method: clinical testing. Allele origin: germline. Affected: yes. Study: VKGL Data-share Consensus. Not counted in ClinVar's aggregate classification.

Joint Genome Diagnostic Labs from Nijmegen and Maastricht, Radboudumc and MUMC+
Classification: Pathogenic. Review status: no assertion criteria provided. Collection method: clinical testing. Allele origin: germline. Affected: yes. Study: VKGL Data-share Consensus. Not counted in ClinVar's aggregate classification.

Laboratory of Diagnostic Genome Analysis, Leiden University Medical Center (LUMC)
Classification: Likely pathogenic. Review status: no assertion criteria provided. Collection method: clinical testing. Allele origin: germline. Affected: yes. Study: VKGL Data-share Consensus. Not counted in ClinVar's aggregate classification.

Literature cited by the submitters: PubMed 10914684 (cited by 6 submitters); PubMed 10924277 (cited by 6 submitters); PubMed 20447155 (cited by 4 submitters); PubMed 23430515 (cited by 4 submitters); PubMed 17576681 (cited by Labcorp Genetics (formerly Invitae), Labcorp); PubMed 9536098 (cited by Labcorp Genetics (formerly Invitae), Labcorp); PubMed 36756224 (cited by Variantyx, Inc. and Mayo Clinic Laboratories, Mayo Clinic); PubMed 27959697 (cited by Mayo Clinic Laboratories, Mayo Clinic and Myriad Genetics, Inc.); PubMed 31980526 (cited by Mayo Clinic Laboratories, Mayo Clinic); PubMed 34441372 (cited by Mayo Clinic Laboratories, Mayo Clinic); PubMed 35279850 (cited by Mayo Clinic Laboratories, Mayo Clinic and Women's Health and Genetics/Laboratory Corporation of America, LabCorp); PubMed 27287710 (cited by Women's Health and Genetics/Laboratory Corporation of America, LabCorp and Myriad Genetics, Inc.).